The following is an entry in ClinVar:

ClinVar aggregate classification (germline): Uncertain significance (1 of 4 stars; one submission).

Conditions:
Dyskeratosis congenita. Identifiers: Orphanet 1775, MedGen C0265965, MONDO:0015780.

gnomAD v4.1: 2 of 1,581,194 alleles (0.00013%); highest among the groups gnomAD compares: East Asian, 0.0023%; no homozygotes.

Submission:

Ambry Genetics
Classification: Uncertain significance for Dyskeratosis congenita. Last evaluated: 2025-12-30. Review status: criteria provided, single submitter. Criteria: Ambry Variant Classification Scheme 2023. Collection method: clinical testing. Allele origin: germline.
Comment: The p.G226D variant (also known as c.677G>A), located in coding exon 2 of the TERT gene, results from a G to A substitution at nucleotide position 677. The glycine at codon 226 is replaced by aspartic acid, an amino acid with similar properties. This amino acid position is conserved. In addition, this alteration is predicted to be tolerated by in silico analysis. Based on the available evidence, the clinical significance of this variant remains unclear.

NM_198253.3(TERT):c.677G>A (p.Gly226Asp)

Gene: TERT (telomerase reverse transcriptase; minus strand). Cytogenetic location: 5p15.33.
Variant type: single nucleotide variant.
Coding change: c.677G>A on transcript NM_198253.3 (MANE Select); coding-DNA position 677, G replaced by A.
Protein change: p.Gly226Asp; replaces glycine 226 with aspartic acid.
Molecular consequence: missense variant. On other transcripts: non-coding transcript variant (2).
Genome position (GRCh38, 1-based): chr5:1,294,209, C>T on the plus strand (G>A on the coding strand, the complement: TERT is on the minus strand). VCF-style: chr5-1294209-C-T. GRCh37 (hg19) VCF-style: chr5-1294324-C-T.
Other names: c.677G>A, p.Gly226Asp (NM_001193376.3); short protein forms G226D.
Identifiers: ClinVar variation 4843987 (VCV004843987.1).
Genomic context (GRCh38, chr5:1,294,209, plus strand): 5'-GGCTCAGGGGCAGCGCCACGCCTGGGCCTCTTGGGCAACGGCAGACTTCGGCTGGCACTG[C>T]CCCCGCGCCTCCTCGCACCCGGGGCTGGCAGGCCCAGGGGGACCCCGGCCTCCCTGACGC-3'
Protein context (NP_937983.2, residues 216-236): LPAPGARRRG[Gly226Asp]SASRSLPLPK